The following is an entry in ClinVar:

ClinVar aggregate classification (germline): Uncertain significance (1 of 4 stars; one submission).

gnomAD v4.1: 9 of 1,613,500 alleles (0.00056%); highest among the groups gnomAD compares: Admixed American, 0.015%; no homozygotes.

Submission:

GeneDx
Classification: Uncertain significance. Last evaluated: 2025-06-20. Review status: criteria provided, single submitter. Criteria: GeneDx Variant Classification Process June 2021. Collection method: clinical testing. Allele origin: germline. Affected: yes.
Comment: In silico analysis supports that this missense variant has a deleterious effect on protein structure/function; Has not been previously published as pathogenic or benign to our knowledge

NM_001394062.1(MACF1):c.20413C>T (p.His6805Tyr)

Gene: MACF1 (microtubule actin crosslinking factor 1; plus strand). Cytogenetic location: 1p34.3.
Variant type: single nucleotide variant.
Coding change: c.20413C>T on transcript NM_001394062.1 (MANE Select); coding-DNA position 20413, C replaced by T.
Protein change: p.His6805Tyr; replaces histidine 6805 with tyrosine.
Molecular consequence: missense variant.
Genome position (GRCh38, 1-based): chr1:39,451,206, C>T. VCF-style: chr1-39451206-C-T. GRCh37 (hg19) VCF-style: chr1-39916878-C-T.
Other names: c.8491C>T, p.His2831Tyr (NM_001397473.1); c.14236C>T, p.His4746Tyr (NM_012090.5); short protein forms H2831Y, H4746Y, H6805Y.
Identifiers: ClinVar variation 4538737 (VCV004538737.1).